The following is an entry in ClinVar:

NM_000018.4(ACADVL):c.363G>C (p.Lys121Asn)

Gene: ACADVL (acyl-CoA dehydrogenase very long chain; plus strand). Cytogenetic location: 17p13.1.
Variant type: single nucleotide variant.
Coding change: c.363G>C on transcript NM_000018.4 (MANE Select); coding-DNA position 363, G replaced by C.
Protein change: p.Lys121Asn; replaces lysine 121 with asparagine.
Molecular consequence: missense variant.
Genome position (GRCh38, 1-based): chr17:7,220,944, G>C. VCF-style: chr17-7220944-G-C. GRCh37 (hg19) VCF-style: chr17-7124263-G-C.
Other names: c.297G>C, p.Lys99Asn (NM_001033859.3); c.432G>C, p.Lys144Asn (NM_001270447.2); c.135G>C, p.Lys45Asn (NM_001270448.2); short protein forms K121N, K144N, K45N, K99N.
Identifiers: ClinVar variation 3611773 (VCV003611773.2).
Genomic context (GRCh38, chr17:7,220,944, plus strand): 5'-TCAAAAGGAGCCTGGATGTGGGATCCTGTGCCTTCCCCAGGAAGTGAACGATCCCGCCAA[G>C]AATGACGCTCTGGAGATGGTGGAGGAGACCACTTGGCAGGGCCTCAAGGAGCTGGGGGCC-3'
Protein context (NP_000009.1, residues 111-131): RFFEEVNDPA[Lys121Asn]NDALEMVEET

ClinVar aggregate classification (germline): Uncertain significance (1 of 4 stars; one submission).

Conditions:
Very long chain acyl-CoA dehydrogenase deficiency (ACADVLD). Also called: VLCAD Deficiency; Very Long-Chain Acyl-Coenzyme A Dehydrogenase Deficiency. Identifiers: Orphanet 26793, MedGen C3887523, MONDO:0008723, OMIM 201475.

Submission:

Labcorp Genetics (formerly Invitae), Labcorp
Classification: Uncertain significance for Very long chain acyl-CoA dehydrogenase deficiency. Last evaluated: 2024-03-28. Review status: criteria provided, single submitter. Criteria: Invitae Variant Classification Sherloc (09022015). Collection method: clinical testing. Allele origin: germline.
Comment: This sequence change replaces lysine, which is basic and polar, with asparagine, which is neutral and polar, at codon 121 of the ACADVL protein (p.Lys121Asn). This variant is not present in population databases (gnomAD no frequency). This variant has not been reported in the literature in individuals affected with ACADVL-related conditions. Advanced modeling of protein sequence and biophysical properties (such as structural, functional, and spatial information, amino acid conservation, physicochemical variation, residue mobility, and thermodynamic stability) performed at Invitae indicates that this missense variant is expected to disrupt ACADVL protein function with a positive predictive value of 95%. In summary, the available evidence is currently insufficient to determine the role of this variant in disease. Therefore, it has been classified as a Variant of Uncertain Significance.